The following is an entry in ClinVar:

ClinVar aggregate classification (germline): Uncertain significance (1 of 4 stars; one submission).

Conditions:
Hereditary diffuse gastric adenocarcinoma (HDGC). Also called: DIFFUSE GASTRIC AND LOBULAR BREAST CANCER SYNDROME. Identifiers: Orphanet 26106, MedGen C1708349, MONDO:0007648, OMIM 137215.

Submission:

Labcorp Genetics (formerly Invitae), Labcorp
Classification: Uncertain significance for Hereditary diffuse gastric adenocarcinoma. Last evaluated: 2025-11-10. Review status: criteria provided, single submitter. Criteria: Invitae Variant Classification Sherloc (09022015). Collection method: clinical testing. Allele origin: germline.
Comment: This sequence change replaces leucine, which is neutral and non-polar, with histidine, which is basic and polar, at codon 311 of the CDH1 protein (p.Leu311His). Information on the frequency of this variant in the gnomAD database is not available, as this variant may be reported differently in the database. This variant has not been reported in the literature in individuals affected with CDH1-related conditions. ClinVar contains an entry for this variant (Variation ID: 2103063). An algorithm developed to predict the effect of missense changes on protein structure and function (PolyPhen-2) suggests that this variant is likely to be disruptive. In summary, the available evidence is currently insufficient to determine the role of this variant in disease. Therefore, it has been classified as a Variant of Uncertain Significance.

NM_004360.5(CDH1):c.932_933delinsAT (p.Leu311His)

Gene: CDH1 (cadherin 1; plus strand). Cytogenetic location: 16q22.1.
Variant type: Indel.
Coding change: c.932_933delinsAT on transcript NM_004360.5 (MANE Select); coding-DNA positions 932 to 933, TC replaced by AT.
Protein change: p.Leu311His; replaces leucine 311 with histidine.
Molecular consequence: missense variant. On other transcripts: 5 prime UTR variant (2).
Genome position (GRCh38, 1-based): chr16:68,811,783-68,811,784, TC replaced by AT. VCF-style: chr16-68811783-TC-AT. GRCh37 (hg19) VCF-style: chr16-68845686-TC-AT.
Other names: c.932_933delinsAT, p.Leu311His (NM_001317184.2); c.-684_-683delinsAT (NM_001317185.2); c.-888_-887delinsAT (NM_001317186.2); short protein forms L311H.
Identifiers: ClinVar variation 2103063 (VCV002103063.4), dbSNP rs2543922582, ClinGen allele CA2580091846.
Genomic context (GRCh38, chr16:68,811,783, plus strand): 5'-ATGATGTGAACACCTACAATGCCGCCATCGCTTACACCATCCTCAGCCAAGATCCTGAGC[TC>AT]CCTGACAAAAATATGTTCACCATTAACAGGAACACAGGAGTCATCAGTGTGGTCACCACT-3'
Protein context (NP_004351.1, residues 301-321): AYTILSQDPE[Leu311His]PDKNMFTINR